The following is an entry in ClinVar:

ClinVar aggregate classification (germline): Uncertain significance (1 of 4 stars; one submission).

Submission:

Labcorp Genetics (formerly Invitae), Labcorp
Classification: Uncertain significance. Last evaluated: 2023-12-19. Review status: criteria provided, single submitter. Criteria: Invitae Variant Classification Sherloc (09022015). Collection method: clinical testing. Allele origin: unknown.
Comment: This variant is a gross deletion of the genomic region encompassing exon(s) 6-7 of the KCNH1 gene. This deletion is out-of-frame, and is expected to create a premature translational stop signal and result in an absent or disrupted protein product. However, the current clinical and genetic evidence is not sufficient to establish whether loss-of-function variants in KCNH1 cause disease. This variant has not been reported in the literature in individuals affected with KCNH1-related conditions. In summary, the available evidence is currently insufficient to determine the role of this variant in disease. Therefore, it has been classified as a Variant of Uncertain Significance.

NC_000001.10:g.(?_211092962)_(211192618_?)del

Gene: KCNH1 (potassium voltage-gated channel subfamily H member 1; minus strand). Cytogenetic location: 1q32.2.
Variant type: Deletion.
Identifiers: ClinVar variation 3248028 (VCV003248028.1).